The following is an entry in ClinVar:

NM_198503.5(KCNT2):c.1928C>T (p.Thr643Ile)

Gene: KCNT2 (potassium sodium-activated channel subfamily T member 2; minus strand). Cytogenetic location: 1q31.3.
Variant type: single nucleotide variant.
Coding change: c.1928C>T on transcript NM_198503.5 (MANE Select); coding-DNA position 1928, C replaced by T.
Protein change: p.Thr643Ile; replaces threonine 643 with isoleucine.
Molecular consequence: missense variant. On other transcripts: non-coding transcript variant (2).
Genome position (GRCh38, 1-based): chr1:196,333,916, G>A on the plus strand (C>T on the coding strand, the complement: KCNT2 is on the minus strand). VCF-style: chr1-196333916-G-A. GRCh37 (hg19) VCF-style: chr1-196303046-G-A.
Other names: c.1928C>T, p.Thr643Ile (NM_001287819.3); c.1778C>T, p.Thr593Ile (NM_001287820.3); short protein forms T593I, T643I.
Identifiers: ClinVar variation 2444792 (VCV002444792.1), dbSNP rs2526938479, ClinGen allele CA343978150.

ClinVar aggregate classification (germline): Uncertain significance (1 of 4 stars; one submission).

Submission:

GeneDx
Classification: Uncertain significance. Last evaluated: 2022-09-16. Review status: criteria provided, single submitter. Criteria: GeneDx Variant Classification Process June 2021. Collection method: clinical testing. Allele origin: germline. Affected: yes.
Comment: Has not been previously published as pathogenic or benign to our knowledge; Not observed at significant frequency in large population cohorts (gnomAD); In silico analysis supports that this missense variant does not alter protein structure/function